The following is an entry in ClinVar:

NM_024408.4(NOTCH2):c.6404T>C (p.Leu2135Pro)

Gene: NOTCH2 (notch receptor 2; minus strand). Cytogenetic location: 1p12.
Variant type: single nucleotide variant.
Coding change: c.6404T>C on transcript NM_024408.4 (MANE Select); coding-DNA position 6404, T replaced by C.
Protein change: p.Leu2135Pro; replaces leucine 2135 with proline.
Molecular consequence: missense variant.
Genome position (GRCh38, 1-based): chr1:119,916,318, A>G on the plus strand (T>C on the coding strand, the complement: NOTCH2 is on the minus strand). VCF-style: chr1-119916318-A-G. GRCh37 (hg19) VCF-style: chr1-120458941-A-G.
Other names: short protein forms L2135P.
Identifiers: ClinVar variation 1484826 (VCV001484826.6), dbSNP rs2101144269, ClinGen allele CA341878193.

ClinVar aggregate classification (germline): Uncertain significance (1 of 4 stars; one submission).

Conditions:
Hajdu-Cheney syndrome (HJCYS). Also called: Acroosteolysis dominant type; ACROOSTEOLYSIS WITH OSTEOPOROSIS AND CHANGES IN SKULL AND MANDIBLE; SERPENTINE FIBULA-POLYCYSTIC KIDNEY SYNDROME. Identifiers: Orphanet 955, MedGen C0917715, MONDO:0007057, OMIM 102500.

gnomAD v4.1: 2 of 1,614,226 alleles (0.00012%); highest among the groups gnomAD compares: Admixed American, 0.0033%; no homozygotes.

Submission:

Labcorp Genetics (formerly Invitae), Labcorp
Classification: Uncertain significance for Hajdu-Cheney syndrome. Last evaluated: 2024-08-21. Review status: criteria provided, single submitter. Criteria: Invitae Variant Classification Sherloc (09022015). Collection method: clinical testing. Allele origin: germline.
Comment: This sequence change replaces leucine, which is neutral and non-polar, with proline, which is neutral and non-polar, at codon 2135 of the NOTCH2 protein (p.Leu2135Pro). This variant is not present in population databases (gnomAD no frequency). This variant has not been reported in the literature in individuals affected with NOTCH2-related conditions. ClinVar contains an entry for this variant (Variation ID: 1484826). Invitae Evidence Modeling of protein sequence and biophysical properties (such as structural, functional, and spatial information, amino acid conservation, physicochemical variation, residue mobility, and thermodynamic stability) indicates that this missense variant is not expected to disrupt NOTCH2 protein function with a negative predictive value of 80%. In summary, the available evidence is currently insufficient to determine the role of this variant in disease. Therefore, it has been classified as a Variant of Uncertain Significance.